The following is an entry in ClinVar:

ClinVar aggregate classification (germline): Uncertain significance. Review status: criteria provided, multiple submitters, no conflicts (2 of 4 stars). 2 submissions from 2 submitters: Uncertain significance (2). Last evaluated 2025-06-13.

Conditions:
Pulmonary fibrosis and/or bone marrow failure, Telomere-related, 3. Also called: PULMONARY FIBROSIS AND/OR BONE MARROW FAILURE SYNDROME, TELOMERE-RELATED, 3. Identifiers: Orphanet 2032, MedGen C4225346, MONDO:0014613, OMIM 616373.
Dyskeratosis congenita, autosomal recessive 5 (DKCB5). Identifiers: MedGen C3554656, MONDO:0014076, OMIM 615190.
Inborn genetic diseases. Identifiers: MedGen C0950123, MeSH D030342.

gnomAD v4.1: 4 of 1,612,972 alleles (0.00025%); highest among the groups gnomAD compares: Admixed American, 0.0017%; no homozygotes.

Submissions (2):

Ambry Genetics
Classification: Uncertain significance for Inborn genetic diseases. Last evaluated: 2025-06-13. Review status: criteria provided, single submitter. Criteria: Ambry Variant Classification Scheme 2023. Collection method: clinical testing. Allele origin: germline.
Comment: The p.I329V variant (also known as c.985A>G), located in coding exon 11 of the RTEL1 gene, results from an A to G substitution at nucleotide position 985. The isoleucine at codon 329 is replaced by valine, an amino acid with highly similar properties. This amino acid position is conserved. In addition, the in silico prediction for this alteration is inconclusive. Based on the available evidence, the clinical significance of this variant remains unclear.

Labcorp Genetics (formerly Invitae), Labcorp
Classification: Uncertain significance for Dyskeratosis congenita, autosomal recessive 5; Pulmonary fibrosis and/or bone marrow failure, Telomere-related, 3. Last evaluated: 2025-04-03. Review status: criteria provided, single submitter. Criteria: Invitae Variant Classification Sherloc (09022015). Collection method: clinical testing. Allele origin: germline.
Comment: This sequence change replaces isoleucine, which is neutral and non-polar, with valine, which is neutral and non-polar, at codon 329 of the RTEL1 protein (p.Ile329Val). This variant is present in population databases (rs760239034, gnomAD 0.0009%). This variant has not been reported in the literature in individuals affected with RTEL1-related conditions. ClinVar contains an entry for this variant (Variation ID: 3761242). An algorithm developed to predict the effect of missense changes on protein structure and function (PolyPhen-2) suggests that this variant is likely to be tolerated. In summary, the available evidence is currently insufficient to determine the role of this variant in disease. Therefore, it has been classified as a Variant of Uncertain Significance.

NM_001283009.2(RTEL1):c.985A>G (p.Ile329Val)

Genes: RTEL1 (regulator of telomere elongation helicase 1; plus strand), RTEL1-TNFRSF6B (RTEL1-TNFRSF6B readthrough (NMD candidate); plus strand). Cytogenetic location: 20q13.33.
Variant type: single nucleotide variant.
Coding change: c.985A>G on transcript NM_001283009.2 (MANE Select); coding-DNA position 985, A replaced by G.
Protein change: p.Ile329Val; replaces isoleucine 329 with valine.
Molecular consequence: missense variant. On other transcripts: non-coding transcript variant (1).
Genome position (GRCh38, 1-based): chr20:63,678,294, A>G. VCF-style: chr20-63678294-A-G. GRCh37 (hg19) VCF-style: chr20-62309647-A-G.
Other names: c.316A>G, p.Ile106Val (NM_001283010.1); c.985A>G, p.Ile329Val (NM_016434.4); c.1057A>G, p.Ile353Val (NM_032957.5); short protein forms I106V, I329V, I353V.
Identifiers: ClinVar variation 3761242 (VCV003761242.3).
Genomic context (GRCh38, chr20:63,678,294, plus strand): 5'-GCGAGGAGGTGGGTGACACCTCCTCGACCCACAGTGATCCTGCTGCGCCTGGAGGGGGCC[A>G]TCGATGCTGTTGAGCTGCCTGGAGACGACAGCGGTGTCACCAAGCCAGGGAGGTGAGAGG-3'
Protein context (NP_001269938.1, residues 319-339): KMILLRLEGA[Ile329Val]DAVELPGDDS